The following is an entry in ClinVar:

ClinVar aggregate classification (germline): Likely benign. Review status: criteria provided, multiple submitters, no conflicts (2 of 4 stars). 4 submissions from 4 submitters: Likely benign (3). 1 of the submissions does not count toward it. Last evaluated 2025-11-25.

Conditions:
CDK5RAP2-related disorder. Also called: CDK5RAP2-related condition.
Inborn genetic diseases. Identifiers: MedGen C0950123, MeSH D030342.

Allele frequency attached by ClinVar (database versions not stated): 1000 Genomes Project 30x 0.00062; gnomAD 0.00064; TOPMed 0.00077; 1000 Genomes Project 0.00080; ESP Exome Variant Server 0.00092.
gnomAD v4.1: 188 of 1,614,050 alleles (0.012%); highest among the groups gnomAD compares: African/African-American, 0.23%; 1 homozygote.

Submissions (4):

Labcorp Genetics (formerly Invitae), Labcorp
Classification: Likely benign. Last evaluated: 2025-11-25. Review status: criteria provided, single submitter. Criteria: Invitae Variant Classification Sherloc (09022015). Collection method: clinical testing. Allele origin: germline.

CeGaT Center for Human Genetics Tuebingen
Classification: Likely benign. Last evaluated: 2023-12-01. Review status: criteria provided, single submitter. Criteria: CeGaT Center For Human Genetics Tuebingen Variant Classification Criteria Version 2. Collection method: clinical testing. Allele origin: germline. Affected: yes. Observed: 1 variant allele.
Comment: CDK5RAP2: BP4

Ambry Genetics
Classification: Likely benign for Inborn genetic diseases. Last evaluated: 2022-02-01. Review status: criteria provided, single submitter. Criteria: Ambry Variant Classification Scheme 2023. Collection method: clinical testing. Allele origin: germline.

PreventionGenetics, part of Exact Sciences
Classification: Likely benign for CDK5RAP2-related condition. Last evaluated: 2022-08-08. Review status: no assertion criteria provided. Collection method: clinical testing. Allele origin: germline. Not counted in ClinVar's aggregate classification.
Comment: This variant is classified as likely benign based on ACMG/AMP sequence variant interpretation guidelines (Richards et al. 2015 PMID: 25741868, with internal and published modifications).

NM_018249.6(CDK5RAP2):c.5308-6G>T

Gene: CDK5RAP2 (CDK5 regulatory subunit associated protein 2; minus strand). Cytogenetic location: 9q33.2.
Variant type: single nucleotide variant.
Coding change: c.5308-6G>T on transcript NM_018249.6 (MANE Select); 6 bases into the intron before coding-DNA position 5308, G replaced by T.
Molecular consequence: intron variant.
Genome position (GRCh38, 1-based): chr9:120,400,891, C>A on the plus strand (G>T on the coding strand, the complement: CDK5RAP2 is on the minus strand). VCF-style: chr9-120400891-C-A. GRCh37 (hg19) VCF-style: chr9-123163169-C-A.
Other names: c.4618-6G>T (NM_001272039.2); c.5071-6G>T (NM_001011649.3); c.5308-6G>T (NM_018249.4).
Identifiers: ClinVar variation 786577 (VCV000786577.34), dbSNP rs147693474, ClinGen allele CA5213301.